The following is an entry in ClinVar:

NM_005554.4(KRT6A):c.921C>T (p.Ser307=)

Gene: KRT6A (keratin 6A; minus strand). Cytogenetic location: 12q13.13.
Variant type: single nucleotide variant.
Coding change: c.921C>T on transcript NM_005554.4 (MANE Select); coding-DNA position 921, C replaced by T.
Protein change: p.Ser307=; no amino-acid change (serine 307 retained).
Molecular consequence: synonymous variant.
Genome position (GRCh38, 1-based): chr12:52,490,725, G>A on the plus strand (C>T on the coding strand, the complement: KRT6A is on the minus strand). VCF-style: chr12-52490725-G-A. GRCh37 (hg19) VCF-style: chr12-52884509-G-A.
Other names: c.921C>T (NM_005554.3).
Identifiers: ClinVar variation 1535096 (VCV001535096.10), dbSNP rs551731110, ClinGen allele CA6582045.

ClinVar aggregate classification (germline): Benign. Review status: criteria provided, single submitter (1 of 4 stars). 2 submissions from 2 submitters: Benign (1). 1 of the submissions does not count toward it. Last evaluated 2025-10-16.

Conditions:
KRT6A-related disorder. Also called: KRT6A-related condition.

Allele frequency attached by ClinVar (database versions not stated): 1000 Genomes Project 30x 0.00031; ExAC 0.00033; 1000 Genomes Project 0.00040.

Submissions (2):

Labcorp Genetics (formerly Invitae), Labcorp
Classification: Benign. Last evaluated: 2025-10-16. Review status: criteria provided, single submitter. Criteria: Invitae Variant Classification Sherloc (09022015). Collection method: clinical testing. Allele origin: germline.

PreventionGenetics, part of Exact Sciences
Classification: Likely benign for KRT6A-related condition. Last evaluated: 2019-06-17. Review status: no assertion criteria provided. Collection method: clinical testing. Allele origin: germline. Not counted in ClinVar's aggregate classification.
Comment: This variant is classified as likely benign based on ACMG/AMP sequence variant interpretation guidelines (Richards et al. 2015 PMID: 25741868, with internal and published modifications).